The following is an entry in ClinVar:

NM_000195.5(HPS1):c.2T>A (p.Met1Lys)

Gene: HPS1 (HPS1 biogenesis of lysosomal organelles complex 3 subunit 1; minus strand). Cytogenetic location: 10q24.2.
Variant type: single nucleotide variant.
Coding change: c.2T>A on transcript NM_000195.5 (MANE Select); coding-DNA position 2, T replaced by A.
Protein change: p.Met1Lys; changes the start codon (methionine 1).
Molecular consequence: missense variant, initiator codon variant. On other transcripts: 5 prime UTR variant (6).
Genome position (GRCh38, 1-based): chr10:98,443,239, A>T on the plus strand (T>A on the coding strand, the complement: HPS1 is on the minus strand). VCF-style: chr10-98443239-A-T. GRCh37 (hg19) VCF-style: chr10-100202996-A-T.
Other names: c.-915T>A (NM_001311345.2); c.2T>A, p.Met1Lys (NM_001322476.2, NM_001322477.2, NM_001322478.2 and 8 more transcripts); c.-225T>A (NM_001322483.2, NM_001322484.2, NM_001322485.2); c.-1014T>A (NM_001322487.2); c.-772T>A (NM_001322489.2); short protein forms M1K.
Identifiers: ClinVar variation 4817886 (VCV004817886.1).

ClinVar aggregate classification (germline): Likely pathogenic (1 of 4 stars; one submission).

Conditions:
Hermansky-Pudlak syndrome (HPS). Also called: ALBINISM WITH HEMORRHAGIC DIATHESIS AND PIGMENTED RETICULOENDOTHELIAL CELLS. Identifiers: Orphanet 79430, MedGen C0079504, MONDO:0019312.

Submission:

Natera, Inc.
Classification: Likely pathogenic for Hermansky-Pudlak syndrome. Last evaluated: 2025-08-12. Review status: criteria provided, single submitter. Criteria: Natera Variant Classification Schema (03/2026). Collection method: clinical testing. Allele origin: germline.
Comment: The c.2T>A variant in HPS1 is predicted to result in start loss due to disruption of the initiator methionine. This variant is expected to result in nonsense mediated decay, truncation, or a dysfunctional protein product. This variant is rare in the general population with a frequency below the threshold expected for the associated phenotype(s). This variant has been observed in one or more individuals affected with the associated recessive disease, as either homozygous or compound heterozygous with a second variant (PMID: 29345414). Given the available evidence, this variant is classified as Likely Pathogenic.

Literature cited by the submitters: PubMed 29345414.